The following is an entry in ClinVar:

ClinVar aggregate classification (germline): Uncertain significance (1 of 4 stars; one submission).

gnomAD v4.1: 1 of 1,613,590 alleles (0.000062%); highest among the groups gnomAD compares: East Asian, 0.0022%; no homozygotes.

Submission:

Labcorp Genetics (formerly Invitae), Labcorp
Classification: Uncertain significance. Last evaluated: 2025-09-10. Review status: criteria provided, single submitter. Criteria: Invitae Variant Classification Sherloc (09022015). Collection method: clinical testing. Allele origin: germline.
Comment: This sequence change replaces tyrosine, which is neutral and polar, with histidine, which is basic and polar, at codon 157 of the TNNT3 protein (p.Tyr157His). This variant is present in population databases (rs533308270, gnomAD 0.006%). This variant has not been reported in the literature in individuals affected with TNNT3-related conditions. An algorithm developed to predict the effect of missense changes on protein structure and function (PolyPhen-2) suggests that this variant is likely to be disruptive. In summary, the available evidence is currently insufficient to determine the role of this variant in disease. Therefore, it has been classified as a Variant of Uncertain Significance.

NM_006757.4(TNNT3):c.469T>C (p.Tyr157His)

Gene: TNNT3 (troponin T3, fast skeletal type; plus strand). Cytogenetic location: 11p15.5.
Variant type: single nucleotide variant.
Coding change: c.469T>C on transcript NM_006757.4 (MANE Select); coding-DNA position 469, T replaced by C.
Protein change: p.Tyr157His; replaces tyrosine 157 with histidine.
Molecular consequence: missense variant.
Genome position (GRCh38, 1-based): chr11:1,934,434, T>C. VCF-style: chr11-1934434-T-C. GRCh37 (hg19) VCF-style: chr11-1955664-T-C.
Other names: c.265T>C, p.Tyr89His (NM_001367851.1, NM_001367852.1); c.445T>C, p.Tyr149His (NM_001042780.3, NM_001042782.3, NM_001297646.2 and 2 more transcripts); c.463T>C, p.Tyr155His (NM_001042781.3, NM_001367842.1, NM_001367843.1); c.478T>C, p.Tyr160His (NM_001363561.2, NM_001367847.1); c.502T>C, p.Tyr168His (NM_001367846.1); c.466T>C, p.Tyr156His (NM_001367848.1); c.457T>C, p.Tyr153His (NM_001367849.1); c.412T>C, p.Tyr138His (NM_001367850.1); short protein forms Y138H, Y149H, Y156H, Y168H, Y153H, Y160H, Y89H, Y155H.
Identifiers: ClinVar variation 4777083 (VCV004777083.1).